The following is an entry in ClinVar:

ClinVar aggregate classification (germline): Uncertain significance (1 of 4 stars; one submission).

Conditions:
Holoprosencephaly 3 (HPE3). Identifiers: Orphanet 2162, MedGen C1840529, MONDO:0007733, OMIM 142945.

Submission:

Labcorp Genetics (formerly Invitae), Labcorp
Classification: Uncertain significance for Holoprosencephaly 3. Last evaluated: 2024-11-19. Review status: criteria provided, single submitter. Criteria: Invitae Variant Classification Sherloc (09022015). Collection method: clinical testing. Allele origin: germline.
Comment: This sequence change replaces leucine, which is neutral and non-polar, with valine, which is neutral and non-polar, at codon 360 of the SHH protein (p.Leu360Val). This variant is not present in population databases (gnomAD no frequency). This variant has not been reported in the literature in individuals affected with SHH-related conditions. Invitae Evidence Modeling of protein sequence and biophysical properties (such as structural, functional, and spatial information, amino acid conservation, physicochemical variation, residue mobility, and thermodynamic stability) indicates that this missense variant is not expected to disrupt SHH protein function with a negative predictive value of 80%. In summary, the available evidence is currently insufficient to determine the role of this variant in disease. Therefore, it has been classified as a Variant of Uncertain Significance.

NM_000193.4(SHH):c.1078C>G (p.Leu360Val)

Gene: SHH (sonic hedgehog signaling molecule; minus strand). Cytogenetic location: 7q36.3.
Variant type: single nucleotide variant.
Coding change: c.1078C>G on transcript NM_000193.4 (MANE Select); coding-DNA position 1078, C replaced by G.
Protein change: p.Leu360Val; replaces leucine 360 with valine.
Molecular consequence: missense variant. On other transcripts: intron variant (1).
Genome position (GRCh38, 1-based): chr7:155,803,211, G>C on the plus strand (C>G on the coding strand, the complement: SHH is on the minus strand). VCF-style: chr7-155803211-G-C. GRCh37 (hg19) VCF-style: chr7-155595905-G-C.
Other names: c.302-2966C>G (NM_001310462.2); short protein forms L360V.
Identifiers: ClinVar variation 3688923 (VCV003688923.2).
Genomic context (GRCh38, chr7:155,803,211, plus strand): 5'-AGGGCGCGAAGGCCCGGTGCGCCCAGCTGTGCTCCTCGATGACCGCGTAGCACGAGGCCA[G>C]CACCCGGTTGATGAGAATGGTGCCCTGGGCCGTGAGCGGCGCGTAGGCGCCCGCGGCCTC-3'
Protein context (NP_000184.1, residues 350-370): AQGTILINRV[Leu360Val]ASCYAVIEEH